The following is an entry in ClinVar:

NM_001035.3(RYR2):c.5616T>A (p.Asp1872Glu)

Gene: RYR2 (ryanodine receptor 2; plus strand). Cytogenetic location: 1q43.
Variant type: single nucleotide variant.
Coding change: c.5616T>A on transcript NM_001035.3 (MANE Select); coding-DNA position 5616, T replaced by A.
Protein change: p.Asp1872Glu; replaces aspartic acid 1872 with glutamic acid.
Molecular consequence: missense variant.
Genome position (GRCh38, 1-based): chr1:237,614,744, T>A. VCF-style: chr1-237614744-T-A. GRCh37 (hg19) VCF-style: chr1-237778044-T-A.
Other names: c.5616T>A (NM_001035.2); short protein forms D1872E.
Identifiers: ClinVar variation 2076209 (VCV002076209.5), dbSNP rs765786213, ClinGen allele CA074208.
Genomic context (GRCh38, chr1:237,614,744, plus strand): 5'-AGAAGCTGCCACTCCGGAGGAGGAGAGTGACACGCTGGAGAAAGAGCTCAGTGTGGACGA[T>A]GCAAAGCTGCAAGGAGCTGGTGAGGAAGAAGCCAAGGGGGGCAAGCGGCCCAAGGAAGGC-3'
Protein context (NP_001026.2, residues 1862-1882): DTLEKELSVD[Asp1872Glu]AKLQGAGEEE

ClinVar aggregate classification (germline): Uncertain significance. Review status: criteria provided, multiple submitters, no conflicts (2 of 4 stars). 2 submissions from 2 submitters: Uncertain significance (2). Last evaluated 2025-03-13.

Conditions:
Catecholaminergic polymorphic ventricular tachycardia 1. Also called: VENTRICULAR TACHYCARDIA, CATECHOLAMINERGIC POLYMORPHIC, 1, WITH OR WITHOUT ATRIAL DYSFUNCTION AND/OR DILATED CARDIOMYOPATHY; RYR2-Related Catecholaminergic Polymorphic Ventricular Tachycardia; VENTRICULAR TACHYCARDIA, STRESS-INDUCED POLYMORPHIC 1. Identifiers: Orphanet 3286, MedGen C1631597, MONDO:0011484, OMIM 604772.

Allele frequency attached by ClinVar (database versions not stated): ExAC 0.00001.
gnomAD v4.1: 4 of 1,613,830 alleles (0.00025%); highest among the groups gnomAD compares: South Asian, 0.0044%; no homozygotes.

Submissions (2):

Labcorp Genetics (formerly Invitae), Labcorp
Classification: Uncertain significance for Catecholaminergic polymorphic ventricular tachycardia 1. Last evaluated: 2025-03-13. Review status: criteria provided, single submitter. Criteria: Invitae Variant Classification Sherloc (09022015). Collection method: clinical testing. Allele origin: germline.
Comment: This sequence change replaces aspartic acid, which is acidic and polar, with glutamic acid, which is acidic and polar, at codon 1872 of the RYR2 protein (p.Asp1872Glu). This variant is present in population databases (rs765786213, gnomAD 0.007%). This variant has not been reported in the literature in individuals affected with RYR2-related conditions. ClinVar contains an entry for this variant (Variation ID: 2076209). Invitae Evidence Modeling of protein sequence and biophysical properties (such as structural, functional, and spatial information, amino acid conservation, physicochemical variation, residue mobility, and thermodynamic stability) indicates that this missense variant is not expected to disrupt RYR2 protein function with a negative predictive value of 95%. In summary, the available evidence is currently insufficient to determine the role of this variant in disease. Therefore, it has been classified as a Variant of Uncertain Significance.

Clinical Genomics Laboratory, Stanford Medicine
Classification: Uncertain significance for Catecholaminergic polymorphic ventricular tachycardia 1. Last evaluated: 2022-04-05. Review status: criteria provided, single submitter. Criteria: ACMG Guidelines, 2015. Collection method: clinical testing. Allele origin: germline. Observed: 1 variant allele, 1 heterozygote.
Comment: The p.Asp1872Glu variant in the RYR2 gene has not been previously reported in association with disease. This variant has been identified in 2/30,582 South Asian chromosomes (2/247,978 chromosomes overall) by the Genome Aggregation Database. The RYR2 gene has fewer missense variants in the general population than expected. A low rate of missense variation may suggest that this gene is intolerant to missense variation. The aspartic acid at position 1872 is not evolutionarily conserved and glutamic acid is seen at this position in many vertebrate species. Computational tools predict that the p.Asp1872Glu variant does not impact protein function; however, the accuracy of in silico algorithms is limited. These data were assessed using the ACMG/AMP variant interpretation guidelines. In summary, the significance of the p.Asp1872Glu variant is uncertain. Additional information is needed to resolve the significance of this variant. [ACMG evidence codes used: PP2; BP4]_x000D_